The following is an entry in ClinVar:

NM_133259.4(LRPPRC):c.3775del (p.Leu1259fs)

Gene: LRPPRC (leucine rich pentatricopeptide repeat containing; minus strand). Cytogenetic location: 2p21.
Variant type: Deletion.
Coding change: c.3775del on transcript NM_133259.4 (MANE Select); coding-DNA position 3775, one base deleted (C; older notation c.3775delC).
Protein change: p.Leu1259fs; shifts the reading frame from leucine 1259.
Molecular consequence: frameshift variant.
Genome position (GRCh38, 1-based): chr2:43,899,269, G deleted on the plus strand (C on the coding strand, the reverse complement: LRPPRC is on the minus strand); the first of 2 consecutive G bases (chr2:43,899,269-43,899,270); deleting either gives the same sequence. VCF-style (leftmost placement, unchanged base first): chr2-43899268-AG-A. GRCh37 (hg19) VCF-style: chr2-44126407-AG-A.
Other names: short protein forms L1259fs.
Identifiers: ClinVar variation 5015790 (VCV005015790.1).

ClinVar aggregate classification (germline): Pathogenic (1 of 4 stars; one submission).

Conditions:
Congenital lactic acidosis, Saguenay-Lac-Saint-Jean type (MC4DN5). Also called: CYTOCHROME c OXIDASE DEFICIENCY, FRENCH CANADIAN TYPE; COX DEFICIENCY, FRENCH CANADIAN TYPE; MITOCHONDRIAL COMPLEX IV DEFICIENCY, NUCLEAR TYPE 5. Identifiers: Orphanet 70472, MedGen C1857355, MONDO:0009069, OMIM 220111.

Submission:

Myriad Genetics, Inc.
Classification: Pathogenic for Congenital lactic acidosis, Saguenay-Lac-Saint-Jean type. Last evaluated: 2026-04-11. Review status: criteria provided, single submitter. Criteria: Myriad Autosomal Dominant, Autosomal Recessive and X-Linked Classification Criteria (2023). Collection method: clinical testing. Allele origin: unknown.
Comment: NM_133259.3(LRPPRC):c.3775delC(L1259Ffs*46) is expected to be pathogenic in the context of Leigh syndrome, French-Canadian type. This variant is predicted to lead to an abnormal or absent protein product due to the creation of a premature termination codon in LRPPRC, a gene where loss-of-function variants are known to be pathogenic. Please note: this variant was assessed in the context of healthy population screening.